The following is an entry in ClinVar:

ClinVar aggregate classification (germline): Likely benign (1 of 4 stars; one submission).

Submission:

CeGaT Center for Human Genetics Tuebingen
Classification: Likely benign. Last evaluated: 2026-08-01. Review status: criteria provided, single submitter. Criteria: CeGaT Center For Human Genetics Tuebingen Variant Classification Criteria Version 2. Collection method: clinical testing. Allele origin: germline. Affected: yes. Observed: 1 variant allele.
Comment: KRTAP10-10: PM2:Supporting, BP4, BP7

NM_181688.3(KRTAP10-10):c.402A>G (p.Pro134=)

Genes: KRTAP10-10 (keratin associated protein 10-10; plus strand), TSPEAR (thrombospondin type laminin G domain and EAR repeats; minus strand). Cytogenetic location: 21q22.3.
Variant type: single nucleotide variant.
Coding change: c.402A>G on transcript NM_181688.3 (MANE Select); coding-DNA position 402, A replaced by G.
Protein change: p.Pro134=; no amino-acid change (proline 134 retained).
Molecular consequence: synonymous variant. On other transcripts: intron variant (2).
Genome position (GRCh38, 1-based): chr21:44,637,819, A>G. VCF-style: chr21-44637819-A-G. GRCh37 (hg19) VCF-style: chr21-46057736-A-G.
Other names: c.83-69814T>C (NM_144991.3); c.-123+52726T>C (NM_001272037.2).
Identifiers: ClinVar variation 5039292 (VCV005039292.1).